The following is an entry in ClinVar:

ClinVar aggregate classification (germline): Uncertain significance. Review status: criteria provided, multiple submitters, no conflicts (2 of 4 stars). 2 submissions from 2 submitters: Uncertain significance (2). Last evaluated 2026-06-01.

Conditions:
Inborn genetic diseases. Identifiers: MedGen C0950123, MeSH D030342.
MAGEL2-related disorder. Also called: MAGEL2-related condition.

Allele frequency attached by ClinVar (database versions not stated): gnomAD exomes below 0.00001; TOPMed 0.00001.
gnomAD v4.1: 3 of 1,613,722 alleles (0.00019%); highest among the groups gnomAD compares: Non-Finnish European, 0.00025%; no homozygotes.

Submissions (2):

PreventionGenetics, part of Exact Sciences
Classification: Uncertain significance for MAGEL2-related condition. Last evaluated: 2026-06-01. Review status: criteria provided, single submitter. Criteria: ACMG Guidelines, 2015. Collection method: clinical testing. Allele origin: germline.
Comment: The MAGEL2 c.2593A>G variant is predicted to result in the amino acid substitution p.Thr865Ala. To our knowledge, this variant has not been reported in the literature or in a large population database (gnomAD), indicating this variant is rare. At this time, the clinical significance of this variant is uncertain due to the absence of conclusive functional and genetic evidence.

Ambry Genetics
Classification: Uncertain significance for Inborn genetic diseases. Last evaluated: 2022-11-21. Review status: criteria provided, single submitter. Criteria: Ambry Variant Classification Scheme 2023. Collection method: clinical testing. Allele origin: germline.

NM_019066.5(MAGEL2):c.2593A>G (p.Thr865Ala)

Gene: MAGEL2 (MAGE family member L2; minus strand). Cytogenetic location: 15q11.2.
Variant type: single nucleotide variant.
Coding change: c.2593A>G on transcript NM_019066.5 (MANE Select); coding-DNA position 2593, A replaced by G.
Protein change: p.Thr865Ala; replaces threonine 865 with alanine.
Molecular consequence: missense variant.
Genome position (GRCh38, 1-based): chr15:23,645,150, T>C on the plus strand (A>G on the coding strand, the complement: MAGEL2 is on the minus strand). VCF-style: chr15-23645150-T-C. GRCh37 (hg19) VCF-style: chr15-23890297-T-C.
Other names: short protein forms T865A.
Identifiers: ClinVar variation 2328570 (VCV002328570.4), dbSNP rs1387515978, ClinGen allele CA391330692.